The following is an entry in ClinVar:

NM_198559.2(CATIP):c.751G>A (p.Asp251Asn)

Gene: CATIP (ciliogenesis associated TTC17 interacting protein; plus strand). Cytogenetic location: 2q35.
Variant type: single nucleotide variant.
Coding change: c.751G>A on transcript NM_198559.2 (MANE Select); coding-DNA position 751, G replaced by A.
Protein change: p.Asp251Asn; replaces aspartic acid 251 with asparagine.
Molecular consequence: missense variant.
Genome position (GRCh38, 1-based): chr2:218,364,748, G>A. VCF-style: chr2-218364748-G-A. GRCh37 (hg19) VCF-style: chr2-219229471-G-A.
Other names: c.784G>A, p.Asp262Asn (NM_001320865.2); short protein forms D262N, D251N.
Identifiers: ClinVar variation 3827663 (VCV003827663.1).

ClinVar aggregate classification (germline): Uncertain significance (1 of 4 stars; one submission).

gnomAD v4.1: 29 of 1,612,572 alleles (0.0018%); highest among the groups gnomAD compares: Middle Eastern, 0.083%; no homozygotes.

Submission:

Ambry Genetics
Classification: Uncertain significance. Last evaluated: 2025-03-13. Review status: criteria provided, single submitter. Criteria: Ambry Variant Classification Scheme 2023. Collection method: clinical testing. Allele origin: germline.
Comment: Does not currently meet published gene-disease clinical validity criteria Based on insufficient or conflicting evidence, the clinical significance of this alteration remains unclear.

Literature cited by the submitters: PubMed 28106320.